The following is an entry in ClinVar:

NC_000011.10:g.47339379del

Gene: MYBPC3 (myosin binding protein C3; minus strand). Cytogenetic location: 11p11.2.
Variant type: Deletion.
Genome position: GRCh38 VCF-style: chr11-47339375-TG-T. GRCh37 (hg19) VCF-style: chr11-47360926-TG-T.
Other names: p.Pro699Glnfs*55; c.2096del, p.Pro699fs (LRG_386t1); c.2096delC (NM_000256.3).
Identifiers: ClinVar variation 42596 (VCV000042596.45), dbSNP rs397515947, ClinGen allele CA011737.

ClinVar aggregate classification (germline): Pathogenic. Review status: criteria provided, multiple submitters, no conflicts (2 of 4 stars). 15 submissions from 15 submitters: Pathogenic (15). Last evaluated 2026-09-18.

Conditions:
MYBPC3-related disorder. Also called: MYBPC3-related disorders; MYBPC3-related condition; MYBPC3-related disease.
Cardiovascular phenotype. Identifiers: MedGen CN230736.
Hypertrophic cardiomyopathy. Also called: HYPERTROPHIC MYOCARDIOPATHY. Identifiers: Orphanet 217569, MedGen C0007194, MeSH D002312, MONDO:0005045, HP:0001639.
Primary dilated cardiomyopathy (DCM). Also called: Dilated Cardiomyopathy. Identifiers: Orphanet 217604, MedGen C0007193, MeSH D002311, MONDO:0005021, HP:0001644. Inheritance: Various modes of inheritance.
Cardiomyopathy (CMYO). Also called: Cardiomyopathies. Identifiers: Orphanet 167848, MedGen C0878544, MONDO:0004994, HP:0001638. Inheritance: Various modes of inheritance.
Hypertrophic cardiomyopathy 4. Also called: Familial hypertrophic cardiomyopathy 4. Identifiers: MedGen C1861862, MONDO:0007268, OMIM 115197.

Submissions 1 to 10 of 15:

PreventionGenetics, part of Exact Sciences
Classification: Pathogenic for MYBPC3-related condition. Last evaluated: 2026-09-18. Review status: criteria provided, single submitter. Criteria: ACMG Guidelines, 2015. Collection method: clinical testing. Allele origin: germline.
Comment: The MYBPC3 c.2096delC variant is predicted to result in a frameshift and premature protein termination (p.Pro699Glnfs*55). This variant has been reported in numerous individuals with hypertrophic cardiomyopathy and has been shown to segregate with disease in multiple affected families (see for example: described as DelC698 in Niimura et al. 1998. PubMed ID: 9562578; Table S2, Murphy et al. 2016. PubMed ID: 26914223; Table S8, McGurk et al. 2023. PubMed ID: 37652022). This variant has not been reported in a large population database (gnomAD), indicating this variant is rare. Frameshift variants in MYBPC3 are expected to be pathogenic. This variant is interpreted as pathogenic.

Women's Health and Genetics/Laboratory Corporation of America, LabCorp
Classification: Pathogenic for Cardiomyopathy. Last evaluated: 2026-04-20. Review status: criteria provided, single submitter. Criteria: LabCorp Variant Classification Summary - May 2015. Collection method: clinical testing. Allele origin: germline.
Comment: Variant summary: MYBPC3 c.2096delC (p.Pro699GlnfsX55) results in a premature termination codon, predicted to cause a truncation of the encoded protein or absence of the protein due to nonsense mediated decay, which are commonly known mechanisms for disease. The variant was absent in 249256 control chromosomes. c.2096delC has been observed in multiple individuals affected with Hypertrophic Cardiomyopathy (e.g. Murphy_2016, Van_2004, Niimura_1998, Wilson_2011, Bos_2014). These data indicate that the variant is very likely to be associated with disease. To our knowledge, no experimental evidence demonstrating an impact on protein function has been reported. The following publications have been ascertained in the context of this evaluation (PMID: 24793961, 26914223, 9562578, 15519027, 22122802). ClinVar contains an entry for this variant (Variation ID: 42596). Based on the evidence outlined above, the variant was classified as pathogenic.

CeGaT Center for Human Genetics Tuebingen
Classification: Pathogenic. Last evaluated: 2026-02-01. Review status: criteria provided, single submitter. Criteria: CeGaT Center For Human Genetics Tuebingen Variant Classification Criteria Version 2. Collection method: clinical testing. Allele origin: germline. Affected: yes. Observed: 1 variant allele.
Comment: MYBPC3: PVS1, PS4:Moderate, PM2:Supporting

Labcorp Genetics (formerly Invitae), Labcorp
Classification: Pathogenic for Hypertrophic cardiomyopathy. Last evaluated: 2026-01-07. Review status: criteria provided, single submitter. Criteria: Invitae Variant Classification Sherloc (09022015). Collection method: clinical testing. Allele origin: germline.
Comment: This sequence change creates a premature translational stop signal (p.Pro699Glnfs*55) in the MYBPC3 gene. It is expected to result in an absent or disrupted protein product. Loss-of-function variants in MYBPC3 are known to be pathogenic (PMID: 19574547). This variant is not present in population databases (gnomAD no frequency). This premature translational stop signal has been observed in individuals with hypertrophic cardiomyopathy (HCM) (PMID: 9562578, 15519027, 22122802, 24793961, 26914223). It has also been observed to segregate with disease in related individuals. This variant is also known as delC698 and A698fs/54. ClinVar contains an entry for this variant (Variation ID: 42596). For these reasons, this variant has been classified as Pathogenic.

Mayo Clinic Laboratories, Mayo Clinic
Classification: Pathogenic. Last evaluated: 2024-10-21. Review status: criteria provided, single submitter. Criteria: ACMG Guidelines, 2015. Collection method: clinical testing. Allele origin: germline. Observed: 2 variant alleles.
Comment: PM2_supporting, PS4, PVS1

Color Diagnostics, LLC DBA Color Health
Classification: Pathogenic for Cardiomyopathy. Last evaluated: 2024-10-07. Review status: criteria provided, single submitter. Criteria: ACMG Guidelines, 2015. Collection method: clinical testing. Allele origin: germline.
Comment: This variant deletes 1 nucleotide in exon 22 in the Ig-like domain C5 of the MYBPC3 gene (also known as DelC698 and A698 fs/54 in the literature), creating a frameshift and premature translation stop signal. This variant is expected to result in an absent or non-functional protein product. This variant has been reported in over 20 individuals affected with hypertrophic cardiomyopathy (PMID: 9562578, 15519027, 20031618, 22122802, 23549607, 24793961, 25351510, 26914223, 27532257, 28408708, 32731933, 32841044, 33495597, 34310159, 36252119; Color internal data). It has been shown that this variant segregates with disease in multiple affected individuals across 2 families (PMID: 9562578, 22122802). This variant has not been identified in the general population by the Genome Aggregation Database (gnomAD). Loss of MYBPC3 function is a known mechanism of disease. Based on the available evidence, this variant is classified as Pathogenic.

All of Us Research Program, National Institutes of Health
Classification: Pathogenic for Hypertrophic cardiomyopathy. Last evaluated: 2024-08-05. Review status: criteria provided, single submitter. Criteria: ACMG Guidelines, 2015. Collection method: clinical testing. Allele origin: germline. Inheritance: Autosomal dominant inheritance. Observed: 3 variant alleles, 3 heterozygotes.
Comment: This variant deletes 1 nucleotide in exon 22 in the Ig-like domain C5 of the MYBPC3 gene (also known as DelC698 and A698 fs/54 in the literature), creating a frameshift and premature translation stop signal. This variant is expected to result in an absent or non-functional protein product. This variant has been reported in over 20 individuals affected with hypertrophic cardiomyopathy (PMID: 9562578, 15519027, 20031618, 22122802, 23549607, 24793961, 25351510, 26914223, 27532257, 28408708, 32731933, 32841044, 33495597, 34310159; Color internal data). It has been shown that this variant segregates with disease in multiple affected individuals across 2 families (PMID: 9562578, 22122802). This variant has not been identified in the general population by the Genome Aggregation Database (gnomAD). Loss of MYBPC3 function is a known mechanism of disease. Based on the available evidence, this variant is classified as Pathogenic.

This study involves interpretation of variants in research participants for the purpose of population health screening. Participant phenotype was not available at the time of variant classification. Additional details can be found in publication PMID: 35346344, PMCID: PMC8962531

Blueprint Genetics
Classification: Pathogenic for MYBPC3-related disorders. Last evaluated: 2024-06-20. Review status: criteria provided, single submitter. Criteria: ACMG Guidelines, 2015. Collection method: clinical testing. Allele origin: germline. Affected: yes. Observed: 5 variant alleles.

Ambry Genetics
Classification: Pathogenic for Cardiovascular phenotype. Last evaluated: 2023-08-07. Review status: criteria provided, single submitter. Criteria: Ambry General Variant Classification Scheme_2022. Collection method: clinical testing. Allele origin: germline.
Comment: The c.2096delC pathogenic mutation, located in coding exon 22 of the MYBPC3 gene, results from a deletion of one nucleotide at nucleotide position 2096, causing a translational frameshift with a predicted alternate stop codon (p.P699Qfs*55). This mutation has been reported in multiple individuals and families with hypertrophic cardiomyopathy (Niimura H et al. N. Engl. J. Med., 1998 Apr;338:1248-57; Van Driest SL et al. J. Am. Coll. Cardiol., 2004 Nov;44:1903-10; Wilson MG et al. J Cardiovasc Magn Reson, 2011 Nov;13:77; Bos JM et al. Mayo Clin. Proc., 2014 Jun;89:727-37; Murphy SL et al. J Cardiovasc Transl Res, 2016 Apr;9:153-61). This variant is considered to be rare based on population cohorts in the Genome Aggregation Database (gnomAD). In addition to the clinical data presented in the literature, this alteration is expected to result in loss of function by premature protein truncation or nonsense-mediated mRNA decay. As such, this alteration is interpreted as a disease-causing mutation.

Victorian Clinical Genetics Services, Murdoch Childrens Research Institute
Classification: Pathogenic for Hypertrophic cardiomyopathy 4. Last evaluated: 2022-03-31. Review status: criteria provided, single submitter. Criteria: ACMG Guidelines, 2015. Collection method: clinical testing. Allele origin: germline. Affected: yes.
Comment: Based on the classification scheme VCGS_Germline_v1.3.4, this variant is classified as Pathogenic. Following criteria are met: 0102 - Loss of function is a known mechanism of disease in this gene and is associated with hypertrophic cardiomyopathy 4 (HCM; MIM#115197). (I) 0108 - This gene is associated with both recessive and dominant disease. Dominant inheritance is frequently reported in adult onset conditions, however recessive inheritance results in a more severe early onset phenotype (OMIM). (I) 0115 - Variants in this gene are known to have variable expressivity (PMID: 32841044). (I) 0201 - Variant is predicted to cause nonsense-mediated decay (NMD) and loss of protein (premature termination codon is located at least 54 nucleotides upstream of the final exon-exon junction). (SP) 0251 - This variant is heterozygous. (I) 0301 - Variant is absent from gnomAD (both v2 and v3). (SP) 0701 - Other NMD-predicted variants comparable to the one identified in this case have very strong previous evidence for pathogenicity. These variants have been reported many times as pathogenic and observed in individuals with hypertrophic cardiomyopathy (HCM) (DECIPHER). (SP) 0801 - This variant has strong previous evidence of pathogenicity in unrelated individuals. This variant has been reported many times as pathogenic, and observed in individuals with HCM (ClinVar,, PMID: 26743238). (SP) 1208 - Inheritance information for this variant is not currently available in this individual. (I) Legend: (SP) - Supporting pathogenic, (I) - Information, (SB) - Supporting benign